The following is an entry in ClinVar:

NM_000631.5(NCF4):c.759-58C>T

Gene: NCF4 (neutrophil cytosolic factor 4; plus strand). Cytogenetic location: 22q12.3.
Variant type: single nucleotide variant.
Coding change: c.759-58C>T on transcript NM_000631.5 (MANE Select); 58 bases into the intron before coding-DNA position 759, C replaced by T.
Molecular consequence: intron variant. On other transcripts: missense variant (1).
Genome position (GRCh38, 1-based): chr22:36,875,971, C>T. VCF-style: chr22-36875971-C-T. GRCh37 (hg19) VCF-style: chr22-37272013-C-T.
Other names: c.946C>T, p.His316Tyr (NM_013416.4); short protein forms H316Y.
Identifiers: ClinVar variation 2202042 (VCV002202042.3), dbSNP rs750610795, ClinGen allele CA411390073.

ClinVar aggregate classification (germline): Uncertain significance. Review status: criteria provided, multiple submitters, no conflicts (2 of 4 stars). 2 submissions from 2 submitters: Uncertain significance (2). Last evaluated 2024-03-15.

Conditions:
Granulomatous disease, chronic, autosomal recessive, cytochrome b-positive, type 3. Also called: GRANULOMATOUS DISEASE, CHRONIC, AUTOSOMAL RECESSIVE, 3; CGD, AUTOSOMAL RECESSIVE CYTOCHROME b-POSITIVE, TYPE III; Granulomatous disease, chronic, autosomal recessive, cytochrome b-positive, type III; GRANULOMATOUS DISEASE, CHRONIC, DUE TO NCF4 DEFICIENCY. Identifiers: Orphanet 379, MedGen C3151409, MONDO:0013507, OMIM 613960.

Allele frequency attached by ClinVar (database versions not stated): gnomAD 0.00001; TOPMed 0.00003.
gnomAD v4.1: 33 of 1,613,882 alleles (0.002%); highest among the groups gnomAD compares: Non-Finnish European, 0.0026%; no homozygotes.

Submissions (2):

Ambry Genetics
Classification: Uncertain significance. Last evaluated: 2024-03-15. Review status: criteria provided, single submitter. Criteria: Ambry Variant Classification Scheme 2023. Collection method: clinical testing. Allele origin: germline.

Labcorp Genetics (formerly Invitae), Labcorp
Classification: Uncertain significance for Granulomatous disease, chronic, autosomal recessive, cytochrome b-positive, type 3. Last evaluated: 2022-02-06. Review status: criteria provided, single submitter. Criteria: Invitae Variant Classification Sherloc (09022015). Collection method: clinical testing. Allele origin: germline.
Comment: This variant has not been reported in the literature in individuals affected with NCF4-related conditions. This variant is present in population databases (no rsID available, gnomAD 0.002%). This sequence change replaces histidine, which is basic and polar, with tyrosine, which is neutral and polar, at codon 316 of the NCF4 protein (p.His316Tyr). Algorithms developed to predict the effect of missense changes on protein structure and function are either unavailable or do not agree on the potential impact of this missense change (SIFT: "Deleterious"; PolyPhen-2: "Benign"; Align-GVGD: "Class C0"). In summary, the available evidence is currently insufficient to determine the role of this variant in disease. Therefore, it has been classified as a Variant of Uncertain Significance.